The following is an entry in ClinVar:

ClinVar aggregate classification (germline): Uncertain significance (1 of 4 stars; one submission).

Allele frequency attached by ClinVar (database versions not stated): gnomAD exomes below 0.00001.
gnomAD v4.1: 1 of 1,596,408 alleles (0.000063%); highest among the groups gnomAD compares: Non-Finnish European, 0.000085%; no homozygotes.

Submission:

CeGaT Center for Human Genetics Tuebingen
Classification: Uncertain significance. Last evaluated: 2024-05-01. Review status: criteria provided, single submitter. Criteria: CeGaT Center For Human Genetics Tuebingen Variant Classification Criteria Version 2. Collection method: clinical testing. Allele origin: germline. Affected: yes. Observed: 1 variant allele.
Comment: GBE1: PM2

NM_000158.4(GBE1):c.288A>C (p.Glu96Asp)

Gene: GBE1 (1,4-alpha-glucan branching enzyme 1; minus strand). Cytogenetic location: 3p12.2.
Variant type: single nucleotide variant.
Coding change: c.288A>C on transcript NM_000158.4 (MANE Select); coding-DNA position 288, A replaced by C.
Protein change: p.Glu96Asp; replaces glutamic acid 96 with aspartic acid.
Molecular consequence: missense variant.
Genome position (GRCh38, 1-based): chr3:81,705,469, T>G on the plus strand (A>C on the coding strand, the complement: GBE1 is on the minus strand). VCF-style: chr3-81705469-T-G. GRCh37 (hg19) VCF-style: chr3-81754620-T-G.
Other names: short protein forms E96D.
Identifiers: ClinVar variation 3239412 (VCV003239412.19), dbSNP rs1408070077.